The following is an entry in ClinVar:

ClinVar aggregate classification (germline): Uncertain significance (1 of 4 stars; one submission).

Submission:

Labcorp Genetics (formerly Invitae), Labcorp
Classification: Uncertain significance. Last evaluated: 2023-11-21. Review status: criteria provided, single submitter. Criteria: Invitae Variant Classification Sherloc (09022015). Collection method: clinical testing. Allele origin: germline.
Comment: This sequence change replaces aspartic acid, which is acidic and polar, with alanine, which is neutral and non-polar, at codon 357 of the PPOX protein (p.Asp357Ala). This variant is not present in population databases (gnomAD no frequency). This variant has not been reported in the literature in individuals affected with PPOX-related conditions. Advanced modeling of protein sequence and biophysical properties (such as structural, functional, and spatial information, amino acid conservation, physicochemical variation, residue mobility, and thermodynamic stability) performed at Invitae indicates that this missense variant is not expected to disrupt PPOX protein function with a negative predictive value of 80%. In summary, the available evidence is currently insufficient to determine the role of this variant in disease. Therefore, it has been classified as a Variant of Uncertain Significance.

NM_001122764.3(PPOX):c.1070A>C (p.Asp357Ala)

Gene: PPOX (protoporphyrinogen oxidase; plus strand). Cytogenetic location: 1q23.3.
Variant type: single nucleotide variant.
Coding change: c.1070A>C on transcript NM_001122764.3 (MANE Select); coding-DNA position 1070, A replaced by C.
Protein change: p.Asp357Ala; replaces aspartic acid 357 with alanine.
Molecular consequence: missense variant. On other transcripts: intron variant (1).
Genome position (GRCh38, 1-based): chr1:161,170,491, A>C. VCF-style: chr1-161170491-A-C. GRCh37 (hg19) VCF-style: chr1-161140281-A-C.
Other names: c.1070A>C, p.Asp357Ala (NM_000309.5, NM_001365398.1); c.971A>C, p.Asp324Ala (NM_001350128.2); c.662A>C, p.Asp221Ala (NM_001350129.2, NM_001365400.1); c.584A>C, p.Asp195Ala (NM_001350130.2, NM_001350131.2, NM_001365401.1); c.988-129A>C (NM_001365399.1); short protein forms D324A, D221A, D195A, D357A.
Identifiers: ClinVar variation 2698072 (VCV002698072.3), dbSNP rs2525341554, ClinGen allele CA343357306.
Genomic context (GRCh38, chr1:161,170,491, plus strand): 5'-CTTCAGAAGATCCAGGAGTCCTGGGAATCGTGTATGACTCAGTTGCTTTCCCTGAGCAGG[A>C]CGGGAGCCCCCCTGGCCTCAGAGTGACTGTGAGGAGGAGGAAACTTTGCCTAGTGGCATT-3'
Protein context (NP_001116236.1, residues 347-367): VYDSVAFPEQ[Asp357Ala]GSPPGLRVTV